The following is an entry in ClinVar:

ClinVar aggregate classification (germline): Conflicting classifications of pathogenicity. Review status: criteria provided, conflicting classifications (1 of 4 stars). 7 submissions from 7 submitters: Uncertain significance (6); Likely benign (1). Last evaluated 2025-01-11.

Conditions:
Aortic valve disease 2 (AOVD2). Identifiers: MedGen C3542024, MONDO:0013902, OMIM 614823.
Cardiovascular phenotype. Identifiers: MedGen CN230736.
Holt-Oram syndrome (HOS). Also called: TBX5-Related Holt-Oram Syndrome; Ventriculo-radial syndrome; Cardiac-limb syndrome; Heart-hand syndrome, type 1. Identifiers: Orphanet 392, MedGen C0265264, MONDO:0007732, OMIM 142900.

Allele frequency attached by ClinVar (database versions not stated): gnomAD 0.00002 and 0.00001; gnomAD exomes below 0.00001; TOPMed 0.00001.
gnomAD v4.1: 11 of 1,614,068 alleles (0.00068%); highest among the groups gnomAD compares: Admixed American, 0.0033%; no homozygotes.

Submissions (7):

Ambry Genetics
Classification: Uncertain significance for Cardiovascular phenotype. Last evaluated: 2025-01-11. Review status: criteria provided, single submitter. Criteria: Ambry Variant Classification Scheme 2023. Collection method: clinical testing. Allele origin: germline.
Comment: The p.S301C variant (also known as c.902C>G), located in coding exon 7 of the TBX5 gene, results from a C to G substitution at nucleotide position 902. The serine at codon 301 is replaced by cysteine, an amino acid with dissimilar properties. This amino acid position is conserved. In addition, the in silico prediction for this alteration is inconclusive. Since supporting evidence is limited at this time, the clinical significance of this alteration remains unclear.

Blueprint Genetics
Classification: Likely benign. Last evaluated: 2024-07-23. Review status: criteria provided, single submitter. Criteria: ACMG Guidelines, 2015. Collection method: clinical testing. Allele origin: germline.

Genetics and Molecular Pathology, SA Pathology
Classification: Uncertain significance for Holt-Oram syndrome. Last evaluated: 2022-06-23. Review status: criteria provided, single submitter. Criteria: ACMG Guidelines, 2015. Collection method: clinical testing. Allele origin: germline. Inheritance: Autosomal dominant inheritance. Affected: yes.
Comment: The TBX5 c.902C>G variant is classified as a VARIANT OF UNCERTAIN SIGNIFICANCE (PM2, PP3) This variant is a single nucleotide change in exon 8/9 of the TBX5 gene, which is predicted to change the amino acid serine at position 301 in the protein to cysteine. The variant is in dbSNP (rs973621936) but is rare in population databases (gnomAD 3/152063, 0 homozygote) (PM2). The variant has been reported in ClinVar as VUS (Variation ID: 650528). The variant has not been reported in HGMD. Computational predictions support a deleterious effect on the gene or gene product (PP3).

Labcorp Genetics (formerly Invitae), Labcorp
Classification: Uncertain significance for Aortic valve disease 2. Last evaluated: 2022-06-04. Review status: criteria provided, single submitter. Criteria: Invitae Variant Classification Sherloc (09022015). Collection method: clinical testing. Allele origin: germline.
Comment: This variant is not present in population databases (gnomAD no frequency). This sequence change replaces serine, which is neutral and polar, with cysteine, which is neutral and slightly polar, at codon 301 of the TBX5 protein (p.Ser301Cys). This variant has not been reported in the literature in individuals affected with TBX5-related conditions. ClinVar contains an entry for this variant (Variation ID: 650528). Advanced modeling of protein sequence and biophysical properties (such as structural, functional, and spatial information, amino acid conservation, physicochemical variation, residue mobility, and thermodynamic stability) performed at Invitae indicates that this missense variant is not expected to disrupt TBX5 protein function. In summary, the available evidence is currently insufficient to determine the role of this variant in disease. Therefore, it has been classified as a Variant of Uncertain Significance.

Revvity Omics, Revvity
Classification: Uncertain significance for Holt-Oram syndrome. Last evaluated: 2021-10-19. Review status: criteria provided, single submitter. Criteria: ACMG Guidelines, 2015. Collection method: clinical testing. Allele origin: germline.

Fulgent Genetics
Classification: Uncertain significance for Holt-Oram syndrome. Last evaluated: 2021-08-23. Review status: criteria provided, single submitter. Criteria: ACMG Guidelines, 2015. Collection method: clinical testing. Allele origin: unknown.

Victorian Clinical Genetics Services, Murdoch Childrens Research Institute
Classification: Uncertain significance for Holt-Oram syndrome. Last evaluated: 2021-05-06. Review status: criteria provided, single submitter. Criteria: ACMG Guidelines, 2015. Collection method: clinical testing. Allele origin: germline. Inheritance: Autosomal dominant inheritance. Affected: yes.
Comment: Based on the classification scheme VCGS_Germline_v1.3.4, this variant is classified as VUS-3B. Following criteria are met: 0103 - Dominant negative and loss of function and gain of function are known mechanisms of disease in this gene and are associated with Holt-Oram syndrome (MIM#142900). Both loss of function and gain of function are known mechanisms of disease for this gene, and have both been demonstrated by missense variants (PMID: 18451335). Dominant negative has also been suggested as a mechanism in patients with severe congenital heart disease (PMID: 30552424). (I) 0107 - This gene is associated with autosomal dominant disease. (I) 0112 - The condition associated with this gene has incomplete penetrance (PMID: 30552424). (I) 0200 - Variant is predicted to result in a missense amino acid change from serine to cysteine. (I) 0251 - This variant is heterozygous. (I) 0302 - Variant is present in gnomAD (v3) <0.001 for a dominant condition (3 heterozygotes, 0 homozygotes). (SP) 0309 - An alternative amino acid change at the same position has been observed in gnomAD (v3) (3 heterozygotes, 0 homozygotes). (I) 0502 - Missense variant with conflicting in silico predictions and uninformative conservation. (I) 0600 - Variant is located in the annotated transactivation domain (PMID: 15355425). (I) 0704 - Another missense variant comparable to the one identified in this case has limited previous evidence for pathogenicity. An alternative change to a isoleucine in a different transcript has been reported in a patient with Holt-Oram syndrome with non-classical features (PMID: 11183182, 15096952). The same variant has also been reported in another patient with heart and limb defects (PMID: 15355425). (SP) 0809 - Previous evidence of pathogenicity for this variant is inconclusive. This variant has been reported once as a variant of uncertain significance (ClinVar). (I) 0905 - No published segregation evidence has been identified for this variant. (I) 1007 - No published functional evidence has been identified for this variant. (I) 1208 - Inheritance information for this variant is not currently available in this individual. (I) Legend: (SP) - Supporting pathogenic, (I) - Information, (SB) - Supporting benign

Literature cited by the submitters: PubMed 11183182 (cited by Victorian Clinical Genetics Services, Murdoch Childrens Research Institute); PubMed 15096952 (cited by Victorian Clinical Genetics Services, Murdoch Childrens Research Institute); PubMed 15355425 (cited by Victorian Clinical Genetics Services, Murdoch Childrens Research Institute); PubMed 18451335 (cited by Victorian Clinical Genetics Services, Murdoch Childrens Research Institute); PubMed 30552424 (cited by Victorian Clinical Genetics Services, Murdoch Childrens Research Institute).

NM_181486.4(TBX5):c.902C>G (p.Ser301Cys)

Gene: TBX5 (T-box transcription factor 5; minus strand). Cytogenetic location: 12q24.21.
Variant type: single nucleotide variant.
Coding change: c.902C>G on transcript NM_181486.4 (MANE Select); coding-DNA position 902, C replaced by G.
Protein change: p.Ser301Cys; replaces serine 301 with cysteine.
Molecular consequence: missense variant.
Genome position (GRCh38, 1-based): chr12:114,366,245, G>C on the plus strand (C>G on the coding strand, the complement: TBX5 is on the minus strand). VCF-style: chr12-114366245-G-C. GRCh37 (hg19) VCF-style: chr12-114804050-G-C.
Other names: c.902C>G, p.Ser301Cys (NM_000192.3); c.752C>G, p.Ser251Cys (NM_080717.4); short protein forms S251C, S301C.
Identifiers: ClinVar variation 650528 (VCV000650528.18), dbSNP rs973621936, ClinGen allele CA244271121.